The following is an entry in ClinVar:

ClinVar aggregate classification (germline): Likely pathogenic. Review status: criteria provided, single submitter (1 of 4 stars). 2 submissions from 2 submitters: Likely pathogenic (1). 1 of the submissions does not count toward it. Last evaluated 2025-01-01.

Conditions:
Deficiency of ribose-5-phosphate isomerase. Also called: Ribose-5-P isomerase deficiency. Identifiers: Orphanet 440706, MedGen C1291609, MONDO:0012073, OMIM 608611.

Submissions (2):

CeGaT Center for Human Genetics Tuebingen
Classification: Likely pathogenic. Last evaluated: 2025-01-01. Review status: criteria provided, single submitter. Criteria: CeGaT Center For Human Genetics Tuebingen Variant Classification Criteria Version 2. Collection method: clinical testing. Allele origin: germline. Affected: yes. Observed: 1 variant allele.
Comment: RPIA: PM2, PM3, PP3, PP4

OMIM
Classification: Pathogenic for RIBOSE 5-PHOSPHATE ISOMERASE DEFICIENCY. Last evaluated: 2019-06-21. Review status: no assertion criteria provided. Collection method: literature only. Allele origin: germline. Not counted in ClinVar's aggregate classification.

Literature cited by the submitters: PubMed 31056085 (cited by OMIM).

NM_144563.3(RPIA):c.627G>C (p.Trp209Cys)

Gene: RPIA (ribose 5-phosphate isomerase A; plus strand). Cytogenetic location: 2p11.2.
Variant type: single nucleotide variant.
Coding change: c.627G>C on transcript NM_144563.3 (MANE Select); coding-DNA position 627, G replaced by C.
Protein change: p.Trp209Cys; replaces tryptophan 209 with cysteine.
Molecular consequence: missense variant.
Genome position (GRCh38, 1-based): chr2:88,736,565, G>C. VCF-style: chr2-88736565-G-C. GRCh37 (hg19) VCF-style: chr2-89036082-G-C.
Other names: short protein forms W209C.
Identifiers: ClinVar variation 635118 (VCV000635118.15), dbSNP rs1558699183, ClinGen allele CA347588811.